The following is an entry in ClinVar:

NM_000284.4(PDHA1):c.616G>T (p.Glu206Ter)

Gene: PDHA1 (pyruvate dehydrogenase E1 subunit alpha 1; plus strand). Cytogenetic location: Xp22.12.
Variant type: single nucleotide variant.
Coding change: c.616G>T on transcript NM_000284.4 (MANE Select); coding-DNA position 616, G replaced by T.
Protein change: p.Glu206Ter; replaces glutamic acid 206 with a stop codon.
Molecular consequence: nonsense.
Genome position (GRCh38, 1-based): chrX:19,355,361, G>T. VCF-style: chrX-19355361-G-T. GRCh37 (hg19) VCF-style: chrX-19373479-G-T.
Other names: c.730G>T, p.Glu244Ter (NM_001173454.2); c.637G>T, p.Glu213Ter (NM_001173455.2); c.523G>T, p.Glu175Ter (NM_001173456.2); short protein forms E175*, E206*, E213*, E244*.
Identifiers: ClinVar variation 4070347 (VCV004070347.1).

ClinVar aggregate classification (germline): Pathogenic (0 of 4 stars; one submission).

Conditions:
Pyruvate dehydrogenase E1-alpha deficiency (PDHAD). Also called: ATAXIA, INTERMITTENT, WITH PYRUVATE DEHYDROGENASE DEFICIENCY; ATAXIA WITH LACTIC ACIDOSIS I; ATAXIA, INTERMITTENT, WITH ABNORMAL PYRUVATE METABOLISM; Ataxia, intermittent, with pyruvate dehydrogenase, or decarboxylase, deficiency. Identifiers: Orphanet 79243, MedGen C1839413, MONDO:0010717, OMIM 312170.

Submission:

PDHA1 Study Group, University Children’s Hospital, Paracelsus Medical University
Classification: Pathogenic for Pyruvate dehydrogenase E1-alpha deficiency. Last evaluated: 2024-10-15. Review status: no assertion criteria provided. Collection method: research. Allele origin: de novo. Affected: yes. Observed: 1 variant allele.
Comment: The NM_000284.3:c.616G>T (p.Glu206Ter) change is a nonsense variant in PDHA1 gene. This variant is predicted to result in nonsense-mediated decay (NMD). Among them, 1 case had confirmed de novo occurrence. The variant has been reported in 1 published case (PMIDs: 34863613). Last literature search: July 12, 2024. This variant is absent or extremely rare in population-based cohorts in the Genome Aggregation Database (gnomAD). Individuals harboring this variant presented with clinical features compatible with PDHA1-related PDHc deficiency. In summary, this variant meets criteria to be classified as pathogenic (P) for PDHA1-related PDHc deficiency based on the ACMG/AMP criteria applied: PVS1, PM1, PM2 (last assessment October 15, 2024).

Literature cited by the submitters: PubMed 34863613; DOI 10.1093/brain/awaf430.